The following is an entry in ClinVar:

GRCh37/hg19 16p11.2(chr16:29238593-30190568)x3

Genes: ALDOA (aldolase, fructose-bisphosphate A; plus strand), ASPHD1 (aspartate beta-hydroxylase domain containing 1; plus strand), BOLA2 (bolA family member 2; minus strand), C16orf54 (chromosome 16 open reading frame 54; minus strand), CDIPT (CDP-diacylglycerol--inositol 3-phosphatidyltransferase; minus strand) and 24 more. Cytogenetic location: 16p11.2.
Variant type: copy number gain.
Change: copy number 3 (three copies instead of two) of chr16:29,238,593-30,190,568 (952.0 kb, GRCh37 coordinates, 1-based), cytogenetic band 16p11.2.
Identifiers: ClinVar variation 5043565 (VCV005043565.1).

ClinVar aggregate classification (germline): Pathogenic (1 of 4 stars; one submission).

Conditions:
Chromosome 16p11.2 duplication syndrome. Identifiers: Orphanet 370079, MedGen C3553407, MONDO:0013847, OMIM 614671.

Submission:

Department of Prenatal Diagnosis, Henan Provincial People’s Hospital
Classification: Pathogenic for Chromosome 16p11.2 duplication syndrome. Last evaluated: 2026-11-25. Review status: criteria provided, single submitter. Criteria: ACMG/ClinGen CNV Guidelines, 2019. Collection method: research. Allele origin: germline. Affected: no. Observed: 1 variant allele.
Comment: Based on the "ACMG/ClinGen CNV Guidelines" (2019, PMID: 31690835), this dupliaction encompasses the triplosensitive genomic region-16p11.2 recurrent region (proximal, BP4-BP5) (includes TBX6)，which satisfies the criteria for Evidence Type 2A and is assigned a score of 1. As a result, the observed copy number duplication in this case achieves a cumulative score of ≥0.99, classifying it as a pathogenic copy number variant.